The following is an entry in ClinVar:

ClinVar aggregate classification (germline): Pathogenic (1 of 4 stars; one submission).

Conditions:
Rare genetic deafness. Identifiers: Orphanet 96210, MedGen C5680250.

Submission:

Laboratory for Molecular Medicine, Mass General Brigham Personalized Medicine
Classification: Pathogenic for Rare genetic deafness. Last evaluated: 2015-07-20. Review status: criteria provided, single submitter. Criteria: LMM Criteria. Collection method: clinical testing. Allele origin: germline. Observed: 1 variant allele.
Comment: The p.Gln132fs variant in EYA1 has not been previously reported in individuals w ith hearing loss or Branchio-oto-renal spectrum disorder. Data from large popula tion studies is insufficient to assess the frequency of this variant. This frame shift variant is predicted to alter the protein's amino acid sequence beginning at position 132 and leads to a premature termination codon 14 amino acids downst ream. This alteration is then predicted to lead to a truncated or absent protein . Heterozygous loss of function of the EYA1 gene is an established disease mecha nism in individuals with Branchio-oto-renal (BOR) syndrome. In summary, this var iant meets our criteria to be classified as pathogenic for BOR syndrome in an au tosomal dominant manner based upon the predicted impact to the protein.

NM_000503.6(EYA1):c.396_406del (p.Gln132fs)

Gene: EYA1 (EYA transcriptional coactivator and phosphatase 1; minus strand). Cytogenetic location: 8q13.3.
Variant type: Deletion.
Coding change: c.396_406del on transcript NM_000503.6 (MANE Select); coding-DNA positions 396 to 406, 11 bases deleted (GCCGTACGGCA).
Protein change: p.Gln132fs; shifts the reading frame from glutamine 132.
Molecular consequence: frameshift variant.
Genome position (GRCh38, 1-based): chr8:71,321,746-71,321,756, TGCCGTACGGC deleted on the plus strand (GCCGTACGGCA on the coding strand, the reverse complement: EYA1 is on the minus strand); deleting any 11 consecutive bases within chr8:71,321,746-71,321,758 gives the same sequence; the c. name uses the placement nearest the transcript's 3' end. VCF-style (leftmost placement, unchanged base first): chr8-71321745-ATGCCGTACGGC-A. GRCh37 (hg19) VCF-style: chr8-72233980-ATGCCGTACGGC-A.
Other names: c.393_403del, p.Gln131fs (NM_001288574.2); c.45_55del, p.Gln15fs (NM_001288575.2); c.483_493del, p.Gln161fs (NM_001370333.1, NM_172059.5); c.396_406del, p.Gln132fs (NM_001370334.1, NM_001370335.1, NM_172058.4); c.480_490del, p.Gln160fs (NM_001370336.1); short protein forms Q131fs, Q160fs, Q161fs, Q132fs, Q15fs.
Identifiers: ClinVar variation 228346 (VCV000228346.4), dbSNP rs876657690, ClinGen allele CA10576737.